The following is an entry in ClinVar:

NM_006231.4(POLE):c.2187A>G (p.Lys729=)

Gene: POLE (DNA polymerase epsilon, catalytic subunit; minus strand). Cytogenetic location: 12q24.33.
Variant type: single nucleotide variant.
Coding change: c.2187A>G on transcript NM_006231.4 (MANE Select); coding-DNA position 2187, A replaced by G.
Protein change: p.Lys729=; no amino-acid change (lysine 729 retained).
Molecular consequence: synonymous variant.
Genome position (GRCh38, 1-based): chr12:132,667,635, T>C on the plus strand (A>G on the coding strand, the complement: POLE is on the minus strand). VCF-style: chr12-132667635-T-C. GRCh37 (hg19) VCF-style: chr12-133244221-T-C.
Identifiers: ClinVar variation 413573 (VCV000413573.21), dbSNP rs1060504065, ClinGen allele CA16613872.
Genomic context (GRCh38, chr12:132,667,635, plus strand): 5'-CCGCTGGCAGATGGTGGTGAGACGCTCTTCCACCTTGGTGATGTGGATCTTCTTGTAGGC[T>C]TTCCGGCAGTAATCTAAGCACGACGGAGATGGGCAGAGCAGGTGGGTGAGATCTCCCAGA-3'
Protein context (NP_006222.2, residues 719-739): EKRRLADYCR[Lys729=]AYKKIHITKV

ClinVar aggregate classification (germline): Likely benign. Review status: criteria provided, multiple submitters, no conflicts (2 of 4 stars). 4 submissions from 4 submitters: Likely benign (3). 1 of the submissions does not count toward it. Last evaluated 2025-12-24.

Conditions:
POLE-related disorder. Also called: POLE-related condition; POLE-related disorders.
Hereditary cancer-predisposing syndrome. Also called: Neoplastic Syndromes, Hereditary; Tumor predisposition; Hereditary Cancer Syndrome; Hereditary neoplastic syndrome. Identifiers: Orphanet 140162, MedGen C0027672, MeSH D009386, MONDO:0015356.

Allele frequency attached by ClinVar (database versions not stated): gnomAD 0.00001; TOPMed 0.00001; gnomAD exomes 0.00002 and 0.00012.
gnomAD v4.1: 183 of 1,614,074 alleles (0.011%); highest among the groups gnomAD compares: Non-Finnish European, 0.015%; no homozygotes.

Submissions (4):

Labcorp Genetics (formerly Invitae), Labcorp
Classification: Likely benign. Last evaluated: 2025-12-24. Review status: criteria provided, single submitter. Criteria: Invitae Variant Classification Sherloc (09022015). Collection method: clinical testing. Allele origin: germline.

GeneDx
Classification: Likely benign. Last evaluated: 2020-09-28. Review status: criteria provided, single submitter. Criteria: GeneDx Variant Classification Process June 2021. Collection method: clinical testing. Allele origin: germline. Affected: yes.

Ambry Genetics
Classification: Likely benign for Hereditary cancer-predisposing syndrome. Last evaluated: 2015-06-27. Review status: criteria provided, single submitter. Criteria: Ambry Variant Classification Scheme 2023. Collection method: clinical testing. Allele origin: germline.

PreventionGenetics, part of Exact Sciences
Classification: Likely benign for POLE-related condition. Last evaluated: 2019-07-02. Review status: no assertion criteria provided. Collection method: clinical testing. Allele origin: germline. Not counted in ClinVar's aggregate classification.
Comment: This variant is classified as likely benign based on ACMG/AMP sequence variant interpretation guidelines (Richards et al. 2015 PMID: 25741868, with internal and published modifications).